The following is an entry in ClinVar:

NM_001371986.1(UNC80):c.9017G>A (p.Arg3006His)

Gene: UNC80 (unc-80 subunit of NALCN channel complex; plus strand). Cytogenetic location: 2q34.
Variant type: single nucleotide variant.
Coding change: c.9017G>A on transcript NM_001371986.1 (MANE Select); coding-DNA position 9017, G replaced by A.
Protein change: p.Arg3006His; replaces arginine 3006 with histidine.
Molecular consequence: missense variant.
Genome position (GRCh38, 1-based): chr2:209,978,607, G>A. VCF-style: chr2-209978607-G-A. GRCh37 (hg19) VCF-style: chr2-210843331-G-A.
Other names: c.8819G>A, p.Arg2940His (NM_032504.2); c.8804G>A, p.Arg2935His (NM_182587.4); short protein forms R2935H, R3006H, R2940H.
Identifiers: ClinVar variation 1494889 (VCV001494889.6), dbSNP rs371059292, ClinGen allele CA2083618.

ClinVar aggregate classification (germline): Uncertain significance. Review status: criteria provided, multiple submitters, no conflicts (2 of 4 stars). 2 submissions from 2 submitters: Uncertain significance (2). Last evaluated 2022-09-12.

Allele frequency attached by ClinVar (database versions not stated): ExAC 0.00005; gnomAD 0.00005 and 0.00006; ESP Exome Variant Server 0.00044.
gnomAD v4.1: 63 of 1,551,306 alleles (0.0041%); highest among the groups gnomAD compares: Non-Finnish European, 0.005%; no homozygotes.

Submissions (2):

Labcorp Genetics (formerly Invitae), Labcorp
Classification: Uncertain significance. Last evaluated: 2022-09-12. Review status: criteria provided, single submitter. Criteria: Invitae Variant Classification Sherloc (09022015). Collection method: clinical testing. Allele origin: germline.
Comment: This sequence change replaces arginine, which is basic and polar, with histidine, which is basic and polar, at codon 2940 of the UNC80 protein (p.Arg2940His). This variant is present in population databases (rs371059292, gnomAD 0.01%). This variant has not been reported in the literature in individuals affected with UNC80-related conditions. ClinVar contains an entry for this variant (Variation ID: 1494889). Advanced modeling of protein sequence and biophysical properties (such as structural, functional, and spatial information, amino acid conservation, physicochemical variation, residue mobility, and thermodynamic stability) performed at Invitae indicates that this missense variant is not expected to disrupt UNC80 protein function. In summary, the available evidence is currently insufficient to determine the role of this variant in disease. Therefore, it has been classified as a Variant of Uncertain Significance.

Blueprint Genetics
Classification: Uncertain significance. Last evaluated: 2021-08-19. Review status: criteria provided, single submitter. Criteria: ACMG Guidelines, 2015. Collection method: clinical testing. Allele origin: germline.